The following is an entry in ClinVar:

ClinVar aggregate classification (germline): Likely benign (1 of 4 stars; one submission).

Submission:

CeGaT Center for Human Genetics Tuebingen
Classification: Likely benign. Last evaluated: 2024-10-01. Review status: criteria provided, single submitter. Criteria: CeGaT Center For Human Genetics Tuebingen Variant Classification Criteria Version 2. Collection method: clinical testing. Allele origin: germline. Affected: yes. Observed: 2 variant alleles.
Comment: LRTM3: PM2:Supporting, BP4, BP7

NM_001146197.3(LRTM3):c.6048C>T (p.Asp2016=)

Gene: LRTM3 (leucine rich repeat transmembrane protein 3; minus strand). Cytogenetic location: 13q33.1.
Variant type: single nucleotide variant.
Coding change: c.6048C>T on transcript NM_001146197.3 (MANE Select); coding-DNA position 6048, C replaced by T.
Protein change: p.Asp2016=; no amino-acid change (aspartic acid 2016 retained).
Molecular consequence: synonymous variant.
Genome position (GRCh38, 1-based): chr13:102,744,649, G>A on the plus strand (C>T on the coding strand, the complement: LRTM3 is on the minus strand). VCF-style: chr13-102744649-G-A. GRCh37 (hg19) VCF-style: chr13-103396999-G-A.
Identifiers: ClinVar variation 2643911 (VCV002643911.24), dbSNP rs2504232517, ClinGen allele CA484973815.